The following is an entry in ClinVar:

NM_022124.6(CDH23):c.8710G>A (p.Val2904Ile)

Gene: CDH23 (cadherin related 23; plus strand). Cytogenetic location: 10q22.1.
Variant type: single nucleotide variant.
Coding change: c.8710G>A on transcript NM_022124.6 (MANE Select); coding-DNA position 8710, G replaced by A.
Protein change: p.Val2904Ile; replaces valine 2904 with isoleucine.
Molecular consequence: missense variant.
Genome position (GRCh38, 1-based): chr10:71,807,995, G>A. VCF-style: chr10-71807995-G-A. GRCh37 (hg19) VCF-style: chr10-73567752-G-A.
Other names: c.1990G>A, p.Val664Ile (NM_001171933.1, NM_001171934.1); short protein forms V2904I, V664I.
Identifiers: ClinVar variation 505485 (VCV000505485.5), dbSNP rs746121407, ClinGen allele CA377132776.

ClinVar aggregate classification (germline): Uncertain significance. Review status: criteria provided, single submitter (1 of 4 stars). 2 submissions from 2 submitters: Uncertain significance (1). 1 of the submissions does not count toward it. Last evaluated 2017-01-13.

Conditions:
Usher syndrome type 1 (USH1). Also called: RETINITIS PIGMENTOSA AND CONGENITAL DEAFNESS. Identifiers: Orphanet 231169, Orphanet 886, MedGen C1568247, MONDO:0010168, OMIM 276900.

Submissions (2):

Laboratory for Molecular Medicine, Mass General Brigham Personalized Medicine
Classification: Uncertain significance. Last evaluated: 2017-01-13. Review status: criteria provided, single submitter. Criteria: LMM Criteria. Collection method: clinical testing. Allele origin: germline. Observed: 1 variant allele.
Comment: Variant classified as Uncertain Significance - Favor Benign. The p.Val2904Ile va riant in CDH23 has not been previously reported in individuals with hearing loss or in large population studies. Valine (Val) at position 2904 is not conserved in evolutionary distant species and >20 species carry an isoleucine (Ile) at thi s position, raising the possibility that this change may be tolerated. In additi on, computational prediction tools suggest that the p.Val2904Ile variant may not impact the protein. In summary, while the clinical significance of the p.Val290 4Ile variant is uncertain, its lack of conservation suggests that it is more lik ely to be benign.

Natera, Inc.
Classification: Uncertain significance for Usher syndrome type 1. Last evaluated: 2021-04-16. Review status: no assertion criteria provided. Collection method: clinical testing. Allele origin: germline. Not counted in ClinVar's aggregate classification.